The following is an entry in ClinVar:

NM_001100913.3(PACS2):c.1205C>T (p.Thr402Met)

Gene: PACS2 (phosphofurin acidic cluster sorting protein 2; plus strand). Cytogenetic location: 14q32.33.
Variant type: single nucleotide variant.
Coding change: c.1205C>T on transcript NM_001100913.3 (MANE Select); coding-DNA position 1205, C replaced by T.
Protein change: p.Thr402Met; replaces threonine 402 with methionine.
Molecular consequence: missense variant.
Genome position (GRCh38, 1-based): chr14:105,381,036, C>T. VCF-style: chr14-105381036-C-T. GRCh37 (hg19) VCF-style: chr14-105847373-C-T.
Other names: c.1205C>T (NM_001100913.2); c.980C>T, p.Thr327Met (NM_001243127.3); c.1205C>T, p.Thr402Met (NM_015197.4); short protein forms T327M, T402M.
Identifiers: ClinVar variation 1600699 (VCV001600699.33), dbSNP rs139419197, ClinGen allele CA7388747.

ClinVar aggregate classification (germline): Benign/Likely benign. Review status: criteria provided, multiple submitters, no conflicts (2 of 4 stars). 4 submissions from 4 submitters: Benign (1); Likely benign (3). Last evaluated 2026-01-12.

Conditions:
Inborn genetic diseases. Identifiers: MedGen C0950123, MeSH D030342.

Allele frequency attached by ClinVar (database versions not stated): ESP Exome Variant Server 0.00023; 1000 Genomes Project 30x 0.00078; 1000 Genomes Project 0.00080.

Submissions (4):

Labcorp Genetics (formerly Invitae), Labcorp
Classification: Benign. Last evaluated: 2026-01-12. Review status: criteria provided, single submitter. Criteria: Invitae Variant Classification Sherloc (09022015). Collection method: clinical testing. Allele origin: germline.

Blueprint Genetics
Classification: Likely benign. Last evaluated: 2024-10-21. Review status: criteria provided, single submitter. Criteria: ACMG Guidelines, 2015. Collection method: clinical testing. Allele origin: germline.

CeGaT Center for Human Genetics Tuebingen
Classification: Likely benign. Last evaluated: 2024-02-01. Review status: criteria provided, single submitter. Criteria: CeGaT Center For Human Genetics Tuebingen Variant Classification Criteria Version 2. Collection method: clinical testing. Allele origin: germline. Affected: yes. Observed: 1 variant allele.
Comment: PACS2: BP4, BS1

Ambry Genetics
Classification: Likely benign for Inborn genetic diseases. Last evaluated: 2023-06-02. Review status: criteria provided, single submitter. Criteria: Ambry Variant Classification Scheme 2023. Collection method: clinical testing. Allele origin: germline.